The following is an entry in ClinVar:

NM_006158.5(NEFL):c.1049C>T (p.Thr350Met)

Genes: NEFL (neurofilament light chain; minus strand), LOC126860330 (BRD4-independent group 4 enhancer GRCh37_chr8:24811677-24812876; plus strand). Cytogenetic location: 8p21.2.
Variant type: single nucleotide variant.
Coding change: c.1049C>T on transcript NM_006158.5 (MANE Select); coding-DNA position 1049, C replaced by T.
Protein change: p.Thr350Met; replaces threonine 350 with methionine.
Molecular consequence: missense variant.
Genome position (GRCh38, 1-based): chr8:24,954,301, G>A on the plus strand (C>T on the coding strand, the complement: NEFL is on the minus strand). VCF-style: chr8-24954301-G-A. GRCh37 (hg19) VCF-style: chr8-24811815-G-A.
Other names: short protein forms T350M.
Identifiers: ClinVar variation 958726 (VCV000958726.8), dbSNP rs745370680, ClinGen allele CA4681354.

ClinVar aggregate classification (germline): Conflicting classifications of pathogenicity. Review status: criteria provided, conflicting classifications (1 of 4 stars). 2 submissions from 2 submitters: Uncertain significance (1); Likely benign (1). Last evaluated 2025-09-23.

Conditions:
NEFL-related disorder. Also called: NEFL-related condition.
Charcot-Marie-Tooth disease type 2E (CMT2E). Also called: CHARCOT-MARIE-TOOTH DISEASE, AXONAL, TYPE 2E; CHARCOT-MARIE-TOOTH NEUROPATHY, TYPE 2E. Identifiers: Orphanet 99939, MedGen C1843225, MONDO:0011894, OMIM 607684.

Allele frequency attached by ClinVar (database versions not stated): ExAC 0.00002; gnomAD exomes 0.00002 and 0.00004; gnomAD 0.00001; TOPMed 0.00001.

Submissions (2):

PreventionGenetics, part of Exact Sciences
Classification: Likely benign for NEFL-related condition. Last evaluated: 2025-09-23. Review status: criteria provided, single submitter. Criteria: ACMG Guidelines, 2015. Collection method: clinical testing. Allele origin: germline.
Comment: This variant is classified as likely benign based on ACMG/AMP sequence variant interpretation guidelines (Richards et al. 2015 PMID: 25741868, with internal and published modifications).

Labcorp Genetics (formerly Invitae), Labcorp
Classification: Uncertain significance for Charcot-Marie-Tooth disease type 2E. Last evaluated: 2023-12-13. Review status: criteria provided, single submitter. Criteria: Invitae Variant Classification Sherloc (09022015). Collection method: clinical testing. Allele origin: germline.
Comment: This sequence change replaces threonine, which is neutral and polar, with methionine, which is neutral and non-polar, at codon 350 of the NEFL protein (p.Thr350Met). This variant is present in population databases (rs745370680, gnomAD 0.01%). This variant has not been reported in the literature in individuals affected with NEFL-related conditions. ClinVar contains an entry for this variant (Variation ID: 958726). Advanced modeling of protein sequence and biophysical properties (such as structural, functional, and spatial information, amino acid conservation, physicochemical variation, residue mobility, and thermodynamic stability) performed at Invitae indicates that this missense variant is not expected to disrupt NEFL protein function with a negative predictive value of 80%. In summary, the available evidence is currently insufficient to determine the role of this variant in disease. Therefore, it has been classified as a Variant of Uncertain Significance.